The following is an entry in ClinVar:

ClinVar aggregate classification (germline): Uncertain significance (1 of 4 stars; one submission).

Allele frequency attached by ClinVar (database versions not stated): gnomAD 0.00001.
gnomAD v4.1: 2 of 1,613,872 alleles (0.00012%); highest among the groups gnomAD compares: Admixed American, 0.0033%; no homozygotes.

Submission:

Labcorp Genetics (formerly Invitae), Labcorp
Classification: Uncertain significance. Last evaluated: 2023-08-04. Review status: criteria provided, single submitter. Criteria: Invitae Variant Classification Sherloc (09022015). Collection method: clinical testing. Allele origin: germline.
Comment: In summary, the available evidence is currently insufficient to determine the role of this variant in disease. Therefore, it has been classified as a Variant of Uncertain Significance. Advanced modeling of protein sequence and biophysical properties (such as structural, functional, and spatial information, amino acid conservation, physicochemical variation, residue mobility, and thermodynamic stability) performed at Invitae indicates that this missense variant is not expected to disrupt NBAS protein function. ClinVar contains an entry for this variant (Variation ID: 1497902). This variant has not been reported in the literature in individuals affected with NBAS-related conditions. This variant is present in population databases (no rsID available, gnomAD 0.1%). This sequence change replaces leucine, which is neutral and non-polar, with methionine, which is neutral and non-polar, at codon 2164 of the NBAS protein (p.Leu2164Met).

NM_015909.4(NBAS):c.6490C>A (p.Leu2164Met)

Gene: NBAS (NBAS subunit of NRZ tethering complex; minus strand). Cytogenetic location: 2p24.3.
Variant type: single nucleotide variant.
Coding change: c.6490C>A on transcript NM_015909.4 (MANE Select); coding-DNA position 6490, C replaced by A.
Protein change: p.Leu2164Met; replaces leucine 2164 with methionine.
Molecular consequence: missense variant. On other transcripts: non-coding transcript variant (1).
Genome position (GRCh38, 1-based): chr2:15,190,346, G>T on the plus strand (C>A on the coding strand, the complement: NBAS is on the minus strand). VCF-style: chr2-15190346-G-T. GRCh37 (hg19) VCF-style: chr2-15330470-G-T.
Other names: short protein forms L2164M.
Identifiers: ClinVar variation 1497902 (VCV001497902.7), dbSNP rs746510000, ClinGen allele CA43165179.
Genomic context (GRCh38, chr2:15,190,346, plus strand): 5'-GCCAAGCTTGCAAAAGTAAAACCAAGTGCTGAAATTCAGCCTCGTGGTGACTAGATTCCA[G>T]GAGTTCCATGAATAGACAGTAGCGGTTCTCTTCATTCTCAATGTCAGCTATGTCTACCTG-3'
Protein context (NP_056993.2, residues 2154-2174): ENRYCLFMEL[Leu2164Met]ESSHHEAEFQ